The following is an entry in ClinVar:

NM_213655.5(WNK1):c.2762T>C (p.Val921Ala)

Gene: WNK1 (WNK lysine deficient protein kinase 1; plus strand). Cytogenetic location: 12p13.33.
Variant type: single nucleotide variant.
Coding change: c.2762T>C on transcript NM_213655.5 (MANE Plus Clinical); coding-DNA position 2762, T replaced by C.
Protein change: p.Val921Ala; replaces valine 921 with alanine.
Molecular consequence: missense variant. On other transcripts: intron variant (2).
Genome position (GRCh38, 1-based): chr12:868,233, T>C. VCF-style: chr12-868233-T-C. GRCh37 (hg19) VCF-style: chr12-977399-T-C.
Other names: c.2507T>C, p.Val836Ala (NM_001184985.2); c.2140-3032T>C (NM_018979.4, NM_014823.3); short protein forms V836A, V921A.
Identifiers: ClinVar variation 3748780 (VCV003748780.2).

ClinVar aggregate classification (germline): Uncertain significance (1 of 4 stars; one submission).

Conditions:
Neuropathy, hereditary sensory and autonomic, type 2A (HSAN2A). Also called: ACROOSTEOLYSIS, GIACCAI TYPE; ACROOSTEOLYSIS, NEUROGENIC; MORVAN DISEASE; NEUROPATHY, CONGENITAL SENSORY; NEUROPATHY, HEREDITARY SENSORY RADICULAR, AUTOSOMAL RECESSIVE; NEUROPATHY, HEREDITARY SENSORY, TYPE IIA. Identifiers: Orphanet 970, MedGen C2752089, MONDO:0024309, OMIM 201300.
Pseudohypoaldosteronism type 2C (PHA2C). Also called: Pseudohypoaldosteronism Type IIC. Identifiers: Orphanet 757, Orphanet 88940, MedGen C1840391, MONDO:0013778, OMIM 614492.

gnomAD v4.1: 3 of 1,607,294 alleles (0.00019%); highest among the groups gnomAD compares: Admixed American, 0.0017%; no homozygotes.

Submission:

Labcorp Genetics (formerly Invitae), Labcorp
Classification: Uncertain significance for Neuropathy, hereditary sensory and autonomic, type 2A; Pseudohypoaldosteronism type 2C. Last evaluated: 2024-02-24. Review status: criteria provided, single submitter. Criteria: Invitae Variant Classification Sherloc (09022015). Collection method: clinical testing. Allele origin: germline.
Comment: This sequence change replaces valine, which is neutral and non-polar, with alanine, which is neutral and non-polar, at codon 921 of the WNK1 protein (p.Val921Ala). This variant is present in population databases (rs770735485, gnomAD 0.003%). This variant has not been reported in the literature in individuals affected with WNK1-related conditions. Advanced modeling of protein sequence and biophysical properties (such as structural, functional, and spatial information, amino acid conservation, physicochemical variation, residue mobility, and thermodynamic stability) performed at Invitae indicates that this missense variant is not expected to disrupt WNK1 protein function with a negative predictive value of 95%. In summary, the available evidence is currently insufficient to determine the role of this variant in disease. Therefore, it has been classified as a Variant of Uncertain Significance.